The following is an entry in ClinVar:

NM_000834.5(GRIN2B):c.241A>G (p.Ile81Val)

Gene: GRIN2B (glutamate ionotropic receptor NMDA type subunit 2B; minus strand). Cytogenetic location: 12p13.1.
Variant type: single nucleotide variant.
Coding change: c.241A>G on transcript NM_000834.5 (MANE Select); coding-DNA position 241, A replaced by G.
Protein change: p.Ile81Val; replaces isoleucine 81 with valine.
Molecular consequence: missense variant.
Genome position (GRCh38, 1-based): chr12:13,865,968, T>C on the plus strand (A>G on the coding strand, the complement: GRIN2B is on the minus strand). VCF-style: chr12-13865968-T-C. GRCh37 (hg19) VCF-style: chr12-14018902-T-C.
Other names: short protein forms I81V.
Identifiers: ClinVar variation 589850 (VCV000589850.8), dbSNP rs200262227, ClinGen allele CA233148005.
Genomic context (GRCh38, chr12:13,865,968, plus strand): 5'-CAGCAAACACCACCCCCTGGATCTTCCGGTCAGACATGAGATCACAGATGCGGGTGATGA[T>C]GCTCTTTGGGTCGGTCTCATTCATGGCTACCAGTTCCACCCGGGGTACCACGGAGAGATG-3'
Protein context (NP_000825.2, residues 71-91): VAMNETDPKS[Ile81Val]ITRICDLMSD

ClinVar aggregate classification (germline): Uncertain significance. Review status: criteria provided, multiple submitters, no conflicts (2 of 4 stars). 2 submissions from 2 submitters: Uncertain significance (2). Last evaluated 2025-11-05.

Conditions:
Inborn genetic diseases. Identifiers: MedGen C0950123, MeSH D030342.
Intellectual developmental disorder, autosomal dominant 6, with or without seizures. Also called: Intellectual disability, autosomal dominant 6; GRIN2B-related developmental delay, intellectual disability and autism spectrum disorder. Identifiers: Orphanet 589547, MedGen C3151411, MONDO:0013509, OMIM 613970.
Developmental and epileptic encephalopathy, 27 (DEE27). Also called: GRIN2B-Related Neurodevelopmental Disorder; Epileptic encephalopathy, early infantile, 27. Identifiers: Orphanet 3451, MedGen C4015316, MONDO:0014505, OMIM 616139.

Allele frequency attached by ClinVar (database versions not stated): gnomAD 0.00001; TOPMed 0.00001; gnomAD exomes below 0.00001.
gnomAD v4.1: 6 of 1,614,000 alleles (0.00037%); highest among the groups gnomAD compares: Non-Finnish European, 0.00051%; no homozygotes.

Submissions (2):

Labcorp Genetics (formerly Invitae), Labcorp
Classification: Uncertain significance for Developmental and epileptic encephalopathy, 27; Intellectual developmental disorder, autosomal dominant 6, with or without seizures. Last evaluated: 2025-11-05. Review status: criteria provided, single submitter. Criteria: Invitae Variant Classification Sherloc (09022015). Collection method: clinical testing. Allele origin: germline.
Comment: This sequence change replaces isoleucine, which is neutral and non-polar, with valine, which is neutral and non-polar, at codon 81 of the GRIN2B protein (p.Ile81Val). This variant is present in population databases (rs200262227, gnomAD 0.007%). This variant has not been reported in the literature in individuals affected with GRIN2B-related conditions. ClinVar contains an entry for this variant (Variation ID: 589850). Invitae Evidence Modeling of protein sequence and biophysical properties (such as structural, functional, and spatial information, amino acid conservation, physicochemical variation, residue mobility, and thermodynamic stability) indicates that this missense variant is not expected to disrupt GRIN2B protein function with a negative predictive value of 95%. In summary, the available evidence is currently insufficient to determine the role of this variant in disease. Therefore, it has been classified as a Variant of Uncertain Significance.

Ambry Genetics
Classification: Uncertain significance for Inborn genetic diseases. Last evaluated: 2016-06-21. Review status: criteria provided, single submitter. Criteria: Ambry Variant Classification Scheme 2023. Collection method: clinical testing. Allele origin: germline.
Comment: The p.I81V variant (also known as c.241A>G), located in coding exon 1 of the GRIN2B gene, results from an A to G substitution at nucleotide position 241. The isoleucine at codon 81 is replaced by valine, an amino acid with highly similar properties. This variant was previously reported in the SNPDatabase as rs200262227, but was absent from population-based cohorts in the NHLBI Exome Sequencing Project (ESP) and 1000 Genomes Project databases. This amino acid position is highly conserved in available vertebrate species. In addition, the in silico prediction for this alteration is inconclusive. Since supporting evidence is limited at this time, the clinical significance of this variant remains unclear.